The following is an entry in ClinVar:

NM_004366.6(CLCN2):c.2036C>G (p.Thr679Arg)

Gene: CLCN2 (chloride voltage-gated channel 2; minus strand). Cytogenetic location: 3q27.1.
Variant type: single nucleotide variant.
Coding change: c.2036C>G on transcript NM_004366.6 (MANE Select); coding-DNA position 2036, C replaced by G.
Protein change: p.Thr679Arg; replaces threonine 679 with arginine.
Molecular consequence: missense variant.
Genome position (GRCh38, 1-based): chr3:184,353,140, G>C on the plus strand (C>G on the coding strand, the complement: CLCN2 is on the minus strand). VCF-style: chr3-184353140-G-C. GRCh37 (hg19) VCF-style: chr3-184070928-G-C.
Other names: c.1985C>G, p.Thr662Arg (NM_001171087.3); c.1904C>G, p.Thr635Arg (NM_001171088.3); c.2036C>G, p.Thr679Arg (NM_001171089.3); short protein forms T635R, T662R, T679R.
Identifiers: ClinVar variation 2099942 (VCV002099942.4), dbSNP rs375351863, ClinGen allele CA355448069.

ClinVar aggregate classification (germline): Uncertain significance (1 of 4 stars; one submission).

Submission:

Labcorp Genetics (formerly Invitae), Labcorp
Classification: Uncertain significance. Last evaluated: 2022-10-18. Review status: criteria provided, single submitter. Criteria: Invitae Variant Classification Sherloc (09022015). Collection method: clinical testing. Allele origin: germline.
Comment: In summary, the available evidence is currently insufficient to determine the role of this variant in disease. Therefore, it has been classified as a Variant of Uncertain Significance. Advanced modeling of protein sequence and biophysical properties (such as structural, functional, and spatial information, amino acid conservation, physicochemical variation, residue mobility, and thermodynamic stability) performed at Invitae indicates that this missense variant is not expected to disrupt CLCN2 protein function. This variant has not been reported in the literature in individuals affected with CLCN2-related conditions. This variant is not present in population databases (gnomAD no frequency). This sequence change replaces threonine, which is neutral and polar, with arginine, which is basic and polar, at codon 679 of the CLCN2 protein (p.Thr679Arg).